The following is an entry in ClinVar:

NM_001211.6(BUB1B):c.1241A>G (p.Glu414Gly)

Gene: BUB1B (BUB1 mitotic checkpoint serine/threonine kinase B; plus strand). Cytogenetic location: 15q15.1.
Variant type: single nucleotide variant.
Coding change: c.1241A>G on transcript NM_001211.6 (MANE Select); coding-DNA position 1241, A replaced by G.
Protein change: p.Glu414Gly; replaces glutamic acid 414 with glycine.
Molecular consequence: missense variant.
Genome position (GRCh38, 1-based): chr15:40,196,727, A>G. VCF-style: chr15-40196727-A-G. GRCh37 (hg19) VCF-style: chr15-40488928-A-G.
Other names: short protein forms E414G.
Identifiers: ClinVar variation 2565465 (VCV002565465.3), dbSNP rs2542550685, ClinGen allele CA391687575.

ClinVar aggregate classification (germline): Uncertain significance (1 of 4 stars; one submission).

Conditions:
Inborn genetic diseases. Identifiers: MedGen C0950123, MeSH D030342.

Submission:

Ambry Genetics
Classification: Uncertain significance for Inborn genetic diseases. Last evaluated: 2025-08-25. Review status: criteria provided, single submitter. Criteria: Ambry Variant Classification Scheme 2023. Collection method: clinical testing. Allele origin: germline.
Comment: The p.E414G variant (also known as c.1241A>G), located in coding exon 9 of the BUB1B gene, results from an A to G substitution at nucleotide position 1241. The glutamic acid at codon 414 is replaced by glycine, an amino acid with similar properties. This amino acid position is conserved. In addition, this alteration is predicted to be deleterious by in silico analysis. Since supporting evidence is limited at this time, the clinical significance of this alteration remains unclear.